The following is an entry in ClinVar:

ClinVar aggregate classification (germline): Uncertain significance (1 of 4 stars; one submission).

Submission:

Labcorp Genetics (formerly Invitae), Labcorp
Classification: Uncertain significance. Last evaluated: 2022-03-18. Review status: criteria provided, single submitter. Criteria: Invitae Variant Classification Sherloc (09022015). Collection method: clinical testing. Allele origin: germline.
Comment: In summary, the available evidence is currently insufficient to determine the role of this variant in disease. Therefore, it has been classified as a Variant of Uncertain Significance. Experimental studies and prediction algorithms are not available or were not evaluated, and the functional significance of this variant is currently unknown. This variant has not been reported in the literature in individuals affected with LRRCC1-related conditions. The frequency data for this variant in the population databases is considered unreliable, as metrics indicate poor data quality at this position in the gnomAD database. This variant, c.23_25dup, results in the insertion of 1 amino acid(s) of the LRRCC1 protein (p.Val8dup), but otherwise preserves the integrity of the reading frame.

NM_033402.5(LRRCC1):c.20TGG[3] (p.Val8_Ala9insVal)

Gene: LRRCC1 (leucine rich repeat and coiled-coil centrosomal protein 1; plus strand). Cytogenetic location: 8q21.2.
Variant type: Microsatellite.
Coding change: c.20TGG[3] on transcript NM_033402.5 (MANE Select); three copies in a row of the 3-base unit TGG starting at c.20; the reference has two copies in a row; one copy, 3 bases duplicated.
Protein change: p.Val8_Ala9insVal.
Molecular consequence: inframe insertion. On other transcripts: 5 prime UTR variant (4).
Genome position (GRCh38, 1-based): chr8:85,107,318-85,107,320, TGG duplicated; duplicating any 3 consecutive bases within chr8:85,107,313-85,107,320 gives the same sequence; the position shown is the placement nearest the transcript's 3' end. VCF-style (leftmost placement, unchanged base first): chr8-85107312-C-CGGT. GRCh37 (hg19) VCF-style: chr8-86019547-C-CGGT.
Other names: c.-54TGG[3] (NM_001349636.2); c.-562TGG[3] (NM_001349637.2); c.-492TGG[3] (NM_001349638.2); c.-332TGG[3] (NM_001349639.2).
Identifiers: ClinVar variation 1925503 (VCV001925503.5), dbSNP rs760878712, ClinGen allele CA4794260.